The following is an entry in ClinVar:

ClinVar aggregate classification (germline): Uncertain significance (1 of 4 stars; one submission).

Conditions:
Familial adenomatous polyposis 1 (FAP1). Also called: FAMILIAL ADENOMATOUS POLYPOSIS 1, ATTENUATED; POLYPOSIS, ADENOMATOUS INTESTINAL. Identifiers: MedGen C2713442, MONDO:0021056, OMIM 175100. Disease mechanism: loss of function.

Submission:

Labcorp Genetics (formerly Invitae), Labcorp
Classification: Uncertain significance for Familial adenomatous polyposis 1. Last evaluated: 2020-12-02. Review status: criteria provided, single submitter. Criteria: Invitae Variant Classification Sherloc (09022015). Collection method: clinical testing. Allele origin: germline.
Comment: Algorithms developed to predict the effect of sequence changes on RNA splicing suggest that this variant may create or strengthen a splice site, but this prediction has not been confirmed by published transcriptional studies. In summary, the available evidence is currently insufficient to determine the role of this variant in disease. Therefore, it has been classified as a Variant of Uncertain Significance. Experimental studies and prediction algorithms are not available or were not evaluated, and the functional significance of this variant is currently unknown. This variant has not been reported in the literature in individuals with APC-related conditions. This variant is not present in population databases (ExAC no frequency). This variant, c.137_139del, results in the deletion of 1 amino acid(s) of the APC protein (p.Glu46del), but otherwise preserves the integrity of the reading frame.

NM_000038.6(APC):c.137_139del (p.Glu46del)

Gene: APC (APC regulator of Wnt signaling pathway; plus strand). Cytogenetic location: 5q22.2.
Variant type: Deletion.
Coding change: c.137_139del on transcript NM_000038.6 (MANE Select); coding-DNA positions 137 to 139, 3 bases deleted (AAG; older notation c.137_139delAAG).
Protein change: p.Glu46del; deletes glutamic acid 46.
Molecular consequence: inframe deletion. On other transcripts: 5 prime UTR variant (4).
Genome position (GRCh38, 1-based): chr5:112,766,327-112,766,329, AAG deleted; deleting any 3 consecutive bases within chr5:112,766,326-112,766,329 gives the same sequence; the c. name uses the placement nearest the transcript's 3' end. VCF-style (leftmost placement, unchanged base first): chr5-112766325-GGAA-G. GRCh37 (hg19) VCF-style: chr5-112102022-GGAA-G.
Other names: c.137_139del, p.Glu46del (NM_001127510.3, NM_001354895.2, NM_001354896.2 and 2 more transcripts); c.167_169del, p.Glu56del (NM_001127511.3, NM_001354897.2, NM_001354902.2); c.62_64del, p.Glu21del (NM_001354898.2, NM_001354904.2); c.-41_-39del (NM_001354900.2, NM_001354901.2, NM_001354905.2); c.-899_-897del (NM_001354906.2); short protein forms E21del, E46del, E56del.
Identifiers: ClinVar variation 1394290 (VCV001394290.8), dbSNP rs2149783752, ClinGen allele CA2573138594.
Genomic context (GRCh38, chr5:112,766,325, plus strand): 5'-CAGAATCATGTCTTGAAGTTATTTAGAATTTCATGTTAATATATTGTGTTCTTTTTAACA[GGAA>G]GTACTTAAACAACTACAAGGAAGTATTGAAGATGAAGCTATGGCTTCTTCTGGACAGATT-3'